The following is an entry in ClinVar:

ClinVar aggregate classification (germline): Uncertain significance (1 of 4 stars; one submission).

Conditions:
Familial focal epilepsy with variable foci (FPEVF). Identifiers: Orphanet 98820, MedGen C1858477, MONDO:0020310.

Submission:

Labcorp Genetics (formerly Invitae), Labcorp
Classification: Uncertain significance for Familial focal epilepsy with variable foci. Last evaluated: 2025-03-07. Review status: criteria provided, single submitter. Criteria: Invitae Variant Classification Sherloc (09022015). Collection method: clinical testing. Allele origin: germline.
Comment: This sequence change replaces glutamic acid, which is acidic and polar, with aspartic acid, which is acidic and polar, at codon 1179 of the DEPDC5 protein (p.Glu1179Asp). This variant is not present in population databases (gnomAD no frequency). This variant has not been reported in the literature in individuals affected with DEPDC5-related conditions. Experimental studies and prediction algorithms are not available or were not evaluated, and the functional significance of this variant is currently unknown. In summary, the available evidence is currently insufficient to determine the role of this variant in disease. Therefore, it has been classified as a Variant of Uncertain Significance.

NM_001242896.3(DEPDC5):c.3537G>T (p.Glu1179Asp)

Gene: DEPDC5 (DEP domain containing 5, GATOR1 subcomplex subunit; plus strand). Cytogenetic location: 22q12.3.
Variant type: single nucleotide variant.
Coding change: c.3537G>T on transcript NM_001242896.3 (MANE Select); coding-DNA position 3537, G replaced by T.
Protein change: p.Glu1179Asp; replaces glutamic acid 1179 with aspartic acid.
Molecular consequence: missense variant. On other transcripts: non-coding transcript variant (4).
Genome position (GRCh38, 1-based): chr22:31,873,306, G>T. VCF-style: chr22-31873306-G-T. GRCh37 (hg19) VCF-style: chr22-32269292-G-T.
Other names: c.3510G>T, p.Glu1170Asp (NM_001136029.4); c.3237G>T, p.Glu1079Asp (NM_001242897.2); c.3471G>T, p.Glu1157Asp (NM_001363852.2, NM_001364320.2); c.3303G>T, p.Glu1101Asp (NM_001363854.2, NM_001364319.2); c.3537G>T, p.Glu1179Asp (NM_001364318.2); c.3453G>T, p.Glu1151Asp (NM_001369901.1, NM_001369902.1); c.3444G>T, p.Glu1148Asp (NM_001369903.1, NM_014662.6); short protein forms E1079D, E1157D, E1148D, E1170D, E1151D, E1179D, E1101D.
Identifiers: ClinVar variation 4713835 (VCV004713835.1).
Genomic context (GRCh38, chr22:31,873,306, plus strand): 5'-GTGTTACAGCTCTCAGCAGCTGGTGGCAAGCTCCTTGACCTCATCCTCTACCCTGACAGA[G>T]ATCCTGGAAGCCATGAAGCACCCCTCGTAAGTGGCTCACCACAGTGTAGGGTTGGAAGGT-3'
Protein context (NP_001229825.1, residues 1169-1189): SSLTSSSTLT[Glu1179Asp]ILEAMKHPST